The following is an entry in ClinVar:

NM_004655.4(AXIN2):c.2305T>A (p.Phe769Ile)

Gene: AXIN2 (axin 2; minus strand). Cytogenetic location: 17q24.1.
Variant type: single nucleotide variant.
Coding change: c.2305T>A on transcript NM_004655.4 (MANE Select); coding-DNA position 2305, T replaced by A.
Protein change: p.Phe769Ile; replaces phenylalanine 769 with isoleucine.
Molecular consequence: missense variant.
Genome position (GRCh38, 1-based): chr17:65,534,012, A>T on the plus strand (T>A on the coding strand, the complement: AXIN2 is on the minus strand). VCF-style: chr17-65534012-A-T. GRCh37 (hg19) VCF-style: chr17-63530130-A-T.
Other names: c.2110T>A, p.Phe704Ile (NM_001363813.1); short protein forms F769I, F704I.
Identifiers: ClinVar variation 4824623 (VCV004824623.1).
Genomic context (GRCh38, chr17:65,534,012, plus strand): 5'-CCAGGGTCAAGCTCTGAGCCTTCAGCATCCTCCGGTATGGAATTTCTTCCCCACAGAAAA[A>T]GTAAGTGACAACCAACTCACTGGCCTGGAGCGCGTGGACACCTGCCAGTTTCTTTGGCTC-3'
Protein context (NP_004646.3, residues 759-779): LQASELVVTY[Phe769Ile]FCGEEIPYRR

ClinVar aggregate classification (germline): Uncertain significance (1 of 4 stars; one submission).

Conditions:
Hereditary cancer-predisposing syndrome. Also called: Neoplastic Syndromes, Hereditary; Hereditary neoplastic syndrome; Tumor predisposition; Hereditary Cancer Syndrome. Identifiers: Orphanet 140162, MedGen C0027672, MeSH D009386, MONDO:0015356.

Submission:

Ambry Genetics
Classification: Uncertain significance for Hereditary cancer-predisposing syndrome. Last evaluated: 2026-02-13. Review status: criteria provided, single submitter. Criteria: Ambry Variant Classification Scheme 2023. Collection method: clinical testing. Allele origin: germline.
Comment: The p.F769I variant (also known as c.2305T>A), located in coding exon 9 of the AXIN2 gene, results from a T to A substitution at nucleotide position 2305. The phenylalanine at codon 769 is replaced by isoleucine, an amino acid with highly similar properties. This amino acid position is highly conserved in available vertebrate species. In addition, the in silico prediction for this alteration is inconclusive. Based on the available evidence, the clinical significance of this variant remains unclear.